The following is an entry in ClinVar:

NM_000392.5(ABCC2):c.3258+2T>G

Gene: ABCC2 (ATP binding cassette subfamily C member 2; plus strand). Cytogenetic location: 10q24.2.
Variant type: single nucleotide variant.
Coding change: c.3258+2T>G on transcript NM_000392.5 (MANE Select); the canonical splice donor site of the intron after coding-DNA position 3258, T replaced by G.
Molecular consequence: splice donor variant.
Genome position (GRCh38, 1-based): chr10:99,832,133, T>G. VCF-style: chr10-99832133-T-G. GRCh37 (hg19) VCF-style: chr10-101591890-T-G.
Identifiers: ClinVar variation 2806247 (VCV002806247.3), dbSNP rs2038752283, ClinGen allele CA378122791.

ClinVar aggregate classification (germline): Likely pathogenic (1 of 4 stars; one submission).

gnomAD v4.1: 1 of 1,614,180 alleles (0.000062%); highest among the groups gnomAD compares: African/African-American, 0.0013%; no homozygotes.

Submission:

Labcorp Genetics (formerly Invitae), Labcorp
Classification: Likely pathogenic. Last evaluated: 2023-10-06. Review status: criteria provided, single submitter. Criteria: Invitae Variant Classification Sherloc (09022015). Collection method: clinical testing. Allele origin: germline.
Comment: This sequence change affects a donor splice site in intron 23 of the ABCC2 gene. It is expected to disrupt RNA splicing. Variants that disrupt the donor or acceptor splice site typically lead to a loss of protein function (PMID: 16199547), and loss-of-function variants in ABCC2 are known to be pathogenic (PMID: 9185779, 16549534, 16952291). This variant is not present in population databases (gnomAD no frequency). This variant has not been reported in the literature in individuals affected with ABCC2-related conditions. Algorithms developed to predict the effect of sequence changes on RNA splicing suggest that this variant may disrupt the consensus splice site. In summary, the currently available evidence indicates that the variant is pathogenic, but additional data are needed to prove that conclusively. Therefore, this variant has been classified as Likely Pathogenic.

Literature cited by the submitters: PubMed 16199547; PubMed 9185779; PubMed 16549534; PubMed 16952291.